The following is an entry in ClinVar:

NC_000023.10:g.(?_150565677)_(150577837_?)dup

Gene: VMA21 (vacuolar ATPase assembly factor VMA21; plus strand). Cytogenetic location: Xq28.
Variant type: Duplication.
Identifiers: ClinVar variation 3339331 (VCV003339331.1).

ClinVar aggregate classification (germline): Uncertain significance (1 of 4 stars; one submission).

Submission:

Women's Health and Genetics/Laboratory Corporation of America, LabCorp
Classification: Uncertain significance. Last evaluated: 2024-07-25. Review status: criteria provided, single submitter. Criteria: LabCorp Variant Classification Summary - May 2015. Collection method: clinical testing. Allele origin: germline.
Comment: Variant summary: The variant involves the duplication of exons 1-3 in the VMA21 gene. A presumed nomenclature of c.(?_-104)_(*4307_?)dup has been designated for the purposes of this classification. This duplication includes the entire coding sequence of the gene. As exact breakpoints are unknown, it may extend beyond the annotated region of the gene, to include other flanking genes. The variant was absent in 21694 control chromosomes. The available data on variant occurrences in the general population are insufficient to allow any conclusion about variant significance. To our knowledge, no occurrence of c.(?_-104)_(*4307_?)dup in individuals affected with X-Linked Myopathy With Excessive Autophagy and no experimental evidence demonstrating its impact on protein function have been reported. No submitters have cited clinical-significance assessments for this variant to ClinVar. Based on the evidence outlined above, the variant was classified as uncertain significance.